The following is an entry in ClinVar:

ClinVar aggregate classification (germline): Uncertain significance (1 of 4 stars; one submission).

gnomAD v4.1: 2 of 1,614,192 alleles (0.00012%); highest among the groups gnomAD compares: Middle Eastern, 0.016%; no homozygotes.

Submission:

Labcorp Genetics (formerly Invitae), Labcorp
Classification: Uncertain significance. Last evaluated: 2025-02-19. Review status: criteria provided, single submitter. Criteria: Invitae Variant Classification Sherloc (09022015). Collection method: clinical testing. Allele origin: germline.
Comment: This sequence change replaces proline, which is neutral and non-polar, with serine, which is neutral and polar, at codon 3536 of the KMT2A protein (p.Pro3536Ser). This variant is not present in population databases (gnomAD no frequency). This variant has not been reported in the literature in individuals affected with KMT2A-related conditions. Invitae Evidence Modeling of protein sequence and biophysical properties (such as structural, functional, and spatial information, amino acid conservation, physicochemical variation, residue mobility, and thermodynamic stability) indicates that this missense variant is not expected to disrupt KMT2A protein function with a negative predictive value of 95%. In summary, the available evidence is currently insufficient to determine the role of this variant in disease. Therefore, it has been classified as a Variant of Uncertain Significance.

NM_001197104.2(KMT2A):c.10606C>T (p.Pro3536Ser)

Gene: KMT2A (lysine methyltransferase 2A; plus strand). Cytogenetic location: 11q23.3.
Variant type: single nucleotide variant.
Coding change: c.10606C>T on transcript NM_001197104.2 (MANE Select); coding-DNA position 10606, C replaced by T.
Protein change: p.Pro3536Ser; replaces proline 3536 with serine.
Molecular consequence: missense variant.
Genome position (GRCh38, 1-based): chr11:118,506,498, C>T. VCF-style: chr11-118506498-C-T. GRCh37 (hg19) VCF-style: chr11-118377213-C-T.
Other names: c.10696C>T, p.Pro3566Ser (NM_001412597.1); c.10597C>T, p.Pro3533Ser (NM_005933.4); short protein forms P3533S, P3536S, P3566S.
Identifiers: ClinVar variation 3634360 (VCV003634360.2).